The following is an entry in ClinVar:

NM_173842.3(IL1RN):c.206-43T>C

Gene: IL1RN (interleukin 1 receptor antagonist; plus strand). Cytogenetic location: 2q14.1.
Variant type: single nucleotide variant.
Coding change: c.206-43T>C on transcript NM_173842.3 (MANE Select); 43 bases into the intron before coding-DNA position 206, T replaced by C.
Molecular consequence: intron variant.
Genome position (GRCh38, 1-based): chr2:113,131,002, T>C. VCF-style: chr2-113131002-T-C. GRCh37 (hg19) VCF-style: chr2-113888579-T-C.
Other names: c.104-43T>C (NM_001318914.2, NM_173843.3, NM_001379360.1); c.215-43T>C (NM_173841.3); c.152-43T>C (NM_000577.5).
Identifiers: ClinVar variation 1294753 (VCV001294753.5), dbSNP rs432014, ClinGen allele CA1838824.

ClinVar aggregate classification (germline): Benign. Review status: criteria provided, multiple submitters, no conflicts (2 of 4 stars). 3 submissions from 3 submitters: Benign (3). Last evaluated 2023-11-12.

Allele frequency attached by ClinVar (database versions not stated): 1000 Genomes Project 30x 0.21877; 1000 Genomes Project 0.22105; ESP Exome Variant Server 0.23658; TOPMed 0.23770; gnomAD 0.24119 and 0.24232; ExAC 0.25972; gnomAD exomes 0.26437 and 0.26568.
gnomAD v4.1: 322,271 of 1,227,456 alleles (26%); highest among the groups gnomAD compares: Admixed American, 32%; 44,853 homozygotes.

Submissions (3):

Unidad de Genómica Garrahan, Hospital de Pediatría Garrahan
Classification: Benign. Last evaluated: 2023-11-12. Review status: criteria provided, single submitter. Criteria: ACMG Guidelines, 2015. Collection method: clinical testing. Allele origin: germline. Affected: no. Observed: 48 variant alleles.
Comment: This variant is classified as Benign based on local population frequency. This variant was detected in 50% of patients studied by a panel of primary immunodeficiencies. Number of patients: 48. Only high quality variants are reported.

GeneDx
Classification: Benign. Last evaluated: 2021-05-12. Review status: criteria provided, single submitter. Criteria: GeneDx Variant Classification Process June 2021. Collection method: clinical testing. Allele origin: germline. Affected: yes.

Breakthrough Genomics
Classification: Benign. Review status: criteria provided, single submitter. Criteria: ACMG Guidelines, 2015. Collection method: not provided. Allele origin: germline. Inheritance: Autosomal recessive inheritance. Affected: yes.